The following is an entry in ClinVar:

ClinVar aggregate classification (germline): Conflicting classifications of pathogenicity. Review status: criteria provided, conflicting classifications (1 of 4 stars). 4 submissions from 4 submitters: Uncertain significance (1); Likely benign (2). 1 of the submissions does not count toward it. Last evaluated 2026-02-04.

Conditions:
Holocarboxylase synthetase deficiency. Also called: MULTIPLE CARBOXYLASE DEFICIENCY, EARLY ONSET. Identifiers: Orphanet 79242, MedGen C0268581, MONDO:0009666, OMIM 253270.

Allele frequency attached by ClinVar (database versions not stated): TOPMed 0.00009; gnomAD exomes 0.00021 and 0.00032; ESP Exome Variant Server 0.00023; gnomAD 0.00024 and 0.00026; ExAC 0.00031.
gnomAD v4.1: 340 of 1,614,032 alleles (0.021%); highest among the groups gnomAD compares: East Asian, 0.036%; no homozygotes.

Submissions (4):

Labcorp Genetics (formerly Invitae), Labcorp
Classification: Likely benign for Holocarboxylase synthetase deficiency. Last evaluated: 2026-02-04. Review status: criteria provided, single submitter. Criteria: Invitae Variant Classification Sherloc (09022015). Collection method: clinical testing. Allele origin: germline.

Illumina Laboratory Services, Illumina
Classification: Uncertain significance for Holocarboxylase synthetase deficiency. Last evaluated: 2018-01-12. Review status: criteria provided, single submitter. Criteria: ICSL Variant Classification Criteria 13 December 2019. Collection method: clinical testing. Allele origin: germline.

GeneDx
Classification: Likely benign. Last evaluated: 2015-04-13. Review status: criteria provided, single submitter. Criteria: GeneDx Variant Classification (06012015). Collection method: clinical testing. Allele origin: germline. Affected: yes.
Comment: This variant is considered likely benign or benign based on one or more of the following criteria: it is a conservative change, it occurs at a poorly conserved position in the protein, it is predicted to be benign by multiple in silico algorithms, and/or has population frequency not consistent with disease.

Natera, Inc.
Classification: Uncertain significance for Holocarboxylase synthetase deficiency. Last evaluated: 2020-01-24. Review status: no assertion criteria provided. Collection method: clinical testing. Allele origin: germline. Not counted in ClinVar's aggregate classification.

NM_001352514.2(HLCS):c.1073C>T (p.Thr358Met)

Gene: HLCS (holocarboxylase synthetase; minus strand). Cytogenetic location: 21q22.13.
Variant type: single nucleotide variant.
Coding change: c.1073C>T on transcript NM_001352514.2 (MANE Select); coding-DNA position 1073, C replaced by T.
Protein change: p.Thr358Met; replaces threonine 358 with methionine.
Molecular consequence: missense variant. On other transcripts: non-coding transcript variant (2).
Genome position (GRCh38, 1-based): chr21:36,936,813, G>A on the plus strand (C>T on the coding strand, the complement: HLCS is on the minus strand). VCF-style: chr21-36936813-G-A. GRCh37 (hg19) VCF-style: chr21-38309113-G-A.
Other names: p.T211M:ACG>ATG; c.632C>T, p.Thr211Met (NM_000411.8, NM_001242784.3, NM_001242785.2 and 4 more transcripts); short protein forms T211M, T358M.
Identifiers: ClinVar variation 203762 (VCV000203762.17), dbSNP rs142524025, ClinGen allele CA312609.